The following is an entry in ClinVar:

ClinVar aggregate classification (germline): Conflicting classifications of pathogenicity. Review status: criteria provided, conflicting classifications (1 of 4 stars). 2 submissions from 2 submitters: Pathogenic (1); Uncertain significance (1). Last evaluated 2025-05-12.

Conditions:
Cystinuria (CSNU). Also called: Cystinuria, non-type I; CYSTINURIA, TYPE I; CYSTINURIA, TYPE II; CYSTINURIA, TYPE III. Identifiers: Orphanet 214, MedGen C0010691, MONDO:0009067, OMIM 220100, HP:0003131.

Allele frequency attached by ClinVar (database versions not stated): gnomAD exomes below 0.00001.
gnomAD v4.1: 2 of 1,613,888 alleles (0.00012%); highest among the groups gnomAD compares: Non-Finnish European, 0.00017%; no homozygotes.

Submissions (2):

GeneDx
Classification: Uncertain significance. Last evaluated: 2025-05-12. Review status: criteria provided, single submitter. Criteria: GeneDx Variant Classification Process June 2021. Collection method: clinical testing. Allele origin: germline. Affected: yes.
Comment: Observed in a patient with cystinuria in published literature (PMID: 19782624); case-level information is limited; Not observed at significant frequency in large population cohorts (gnomAD); In silico analysis supports that this missense variant has a deleterious effect on protein structure/function; This variant is associated with the following publications: (PMID: 28812535, 19782624)

Labcorp Genetics (formerly Invitae), Labcorp
Classification: Pathogenic for Cystinuria. Last evaluated: 2023-03-25. Review status: criteria provided, single submitter. Criteria: Invitae Variant Classification Sherloc (09022015). Collection method: clinical testing. Allele origin: germline.
Comment: For these reasons, this variant has been classified as Pathogenic. This variant disrupts the p.Trp255 amino acid residue in SLC3A1. Other variant(s) that disrupt this residue have been observed in individuals with SLC3A1-related conditions (PMID: 28717662), which suggests that this may be a clinically significant amino acid residue. Variants that disrupt the consensus splice site are a relatively common cause of aberrant splicing (PMID: 17576681, 9536098). An algorithm developed to predict the effect of missense changes on protein structure and function (PolyPhen-2) suggests that this variant is likely to be disruptive. This missense change has been observed in individual(s) with cystinuria (PMID: 19782624; Invitae). In at least one individual the data is consistent with being in trans (on the opposite chromosome) from a pathogenic variant. This variant is not present in population databases (gnomAD no frequency). This sequence change replaces tryptophan, which is neutral and slightly polar, with cysteine, which is neutral and slightly polar, at codon 255 of the SLC3A1 protein (p.Trp255Cys). This variant also falls at the last nucleotide of exon 3, which is part of the consensus splice site for this exon.

Literature cited by the submitters: PubMed 28717662 (cited by Labcorp Genetics (formerly Invitae), Labcorp); PubMed 17576681 (cited by Labcorp Genetics (formerly Invitae), Labcorp); PubMed 9536098 (cited by Labcorp Genetics (formerly Invitae), Labcorp); PubMed 19782624 (cited by Labcorp Genetics (formerly Invitae), Labcorp).

NM_000341.4(SLC3A1):c.765G>C (p.Trp255Cys)

Gene: SLC3A1 (solute carrier family 3 member 1; plus strand). Cytogenetic location: 2p21.
Variant type: single nucleotide variant.
Coding change: c.765G>C on transcript NM_000341.4 (MANE Select); coding-DNA position 765, G replaced by C.
Protein change: p.Trp255Cys; replaces tryptophan 255 with cysteine.
Molecular consequence: missense variant.
Genome position (GRCh38, 1-based): chr2:44,281,541, G>C. VCF-style: chr2-44281541-G-C. GRCh37 (hg19) VCF-style: chr2-44508680-G-C.
Other names: c.765G>C (NM_000341.3); short protein forms W255C.
Identifiers: ClinVar variation 2734174 (VCV002734174.4), dbSNP rs2466682288, ClinGen allele CA346689364.